The following is an entry in ClinVar:

ClinVar aggregate classification (germline): Uncertain significance. Review status: criteria provided, multiple submitters, no conflicts (2 of 4 stars). 4 submissions from 4 submitters: Uncertain significance (3). 1 of the submissions does not count toward it. Last evaluated 2024-06-01.

Conditions:
Familial dysautonomia. Also called: FD; HSAN III. Identifiers: Orphanet 1764, MedGen C0013364, MONDO:0009131, OMIM 223900. Disease mechanism: loss of function.

Allele frequency attached by ClinVar (database versions not stated): TOPMed below 0.00001; gnomAD exomes 0.00001 and 0.00002; ExAC 0.00002.
gnomAD v4.1: 30 of 1,614,108 alleles (0.0019%); highest among the groups gnomAD compares: Non-Finnish European, 0.0022%; no homozygotes.

Submissions (4):

CeGaT Center for Human Genetics Tuebingen
Classification: Uncertain significance. Last evaluated: 2024-06-01. Review status: criteria provided, single submitter. Criteria: CeGaT Center For Human Genetics Tuebingen Variant Classification Criteria Version 2. Collection method: clinical testing. Allele origin: germline. Affected: yes. Observed: 1 variant allele.
Comment: ELP1: PM2, BP4

Labcorp Genetics (formerly Invitae), Labcorp
Classification: Uncertain significance. Last evaluated: 2022-07-06. Review status: criteria provided, single submitter. Criteria: Invitae Variant Classification Sherloc (09022015). Collection method: clinical testing. Allele origin: germline.
Comment: This sequence change replaces serine, which is neutral and polar, with glycine, which is neutral and non-polar, at codon 678 of the IKBKAP protein (p.Ser678Gly). This variant is present in population databases (rs756120509, gnomAD 0.002%). This variant has not been reported in the literature in individuals affected with IKBKAP-related conditions. ClinVar contains an entry for this variant (Variation ID: 579643). Algorithms developed to predict the effect of missense changes on protein structure and function output the following: SIFT: "Tolerated"; PolyPhen-2: "Benign"; Align-GVGD: "Class C0". The glycine amino acid residue is found in multiple mammalian species, which suggests that this missense change does not adversely affect protein function. In summary, the available evidence is currently insufficient to determine the role of this variant in disease. Therefore, it has been classified as a Variant of Uncertain Significance.

Ambry Genetics
Classification: Uncertain significance. Last evaluated: 2019-11-04. Review status: criteria provided, single submitter. Criteria: Ambry Variant Classification Scheme 2023. Collection method: clinical testing. Allele origin: germline.
Comment: The p.S678G variant (also known as c.2032A>G), located in coding exon 18 of the IKBKAP gene, results from an A to G substitution at nucleotide position 2032. The serine at codon 678 is replaced by glycine, an amino acid with similar properties. This amino acid position is not well conserved in available vertebrate species, and glycine is the reference amino acid in other vertebrate species. In addition, this alteration is predicted to be tolerated by in silico analysis. Since supporting evidence is limited at this time, the clinical significance of this alteration remains unclear.

Natera, Inc.
Classification: Uncertain significance for Familial dysautonomia. Last evaluated: 2020-09-16. Review status: no assertion criteria provided. Collection method: clinical testing. Allele origin: germline. Not counted in ClinVar's aggregate classification.

NM_003640.5(ELP1):c.2032A>G (p.Ser678Gly)

Gene: ELP1 (elongator acetyltransferase complex subunit 1; minus strand). Cytogenetic location: 9q31.3.
Variant type: single nucleotide variant.
Coding change: c.2032A>G on transcript NM_003640.5 (MANE Select); coding-DNA position 2032, A replaced by G.
Protein change: p.Ser678Gly; replaces serine 678 with glycine.
Molecular consequence: missense variant.
Genome position (GRCh38, 1-based): chr9:108,900,358, T>C on the plus strand (A>G on the coding strand, the complement: ELP1 is on the minus strand). VCF-style: chr9-108900358-T-C. GRCh37 (hg19) VCF-style: chr9-111662638-T-C.
Other names: c.1690A>G, p.Ser564Gly (NM_001318360.2); c.985A>G, p.Ser329Gly (NM_001330749.2); c.2032A>G (LRG_251t1); short protein forms S678G, S329G, S564G.
Identifiers: ClinVar variation 579643 (VCV000579643.24), dbSNP rs756120509, ClinGen allele CA5174791.
Genomic context (GRCh38, chr9:108,900,358, plus strand): 5'-CAATCCGTGAACCCCTCTCCACTTTCCGCAGAACTTCCCCATGGGACACATGATTGCTGC[T>C]CAGGCCGGCCTGTAATGCTAAACACACCATTAACTAATAAGCCTTAATTATCACAACAAG-3'
Protein context (NP_003631.2, residues 668-688): ASFKTLQAGL[Ser678Gly]SNHVSHGEVL